The following is an entry in ClinVar:

NM_002878.4(RAD51D):c.192C>G (p.Phe64Leu)

Genes: RAD51L3-RFFL (RAD51L3-RFFL readthrough; minus strand), RAD51D (RAD51 paralog D; minus strand). Cytogenetic location: 17q12.
Variant type: single nucleotide variant.
Coding change: c.192C>G on transcript NM_002878.4 (MANE Select); coding-DNA position 192, C replaced by G.
Protein change: p.Phe64Leu; replaces phenylalanine 64 with leucine.
Molecular consequence: missense variant. On other transcripts: intron variant (2).
Genome position (GRCh38, 1-based): chr17:35,118,572, G>C on the plus strand (C>G on the coding strand, the complement: RAD51D is on the minus strand). VCF-style: chr17-35118572-G-C. GRCh37 (hg19) VCF-style: chr17-33445591-G-C.
Other names: c.144+539C>G (NM_133629.3, NM_001142571.2); short protein forms F64L.
Identifiers: ClinVar variation 2563030 (VCV002563030.2), dbSNP rs1567735397, ClinGen allele CA399091426.
Genomic context (GRCh38, chr17:35,118,572, plus strand): 5'-AGTGGACAGGATGGCAGTGGAGGTCTTCAGTTCCTCGTAGAGATCAGCGCCATTCACGGG[G>C]AAAGCCGAGAACTGAGCCAGCAGCACCCGCCTCAGGGCAACCAGGGCCTGCCAAAGGGCC-3'
Protein context (NP_002869.3, residues 54-74): RRVLLAQFSA[Phe64Leu]PVNGADLYEE

ClinVar aggregate classification (germline): Uncertain significance (1 of 4 stars; one submission).

Conditions:
Hereditary cancer-predisposing syndrome. Also called: Neoplastic Syndromes, Hereditary; Hereditary Cancer Syndrome; Hereditary neoplastic syndrome; Tumor predisposition. Identifiers: Orphanet 140162, MedGen C0027672, MeSH D009386, MONDO:0015356.

Submission:

Ambry Genetics
Classification: Uncertain significance for Hereditary cancer-predisposing syndrome. Last evaluated: 2023-04-01. Review status: criteria provided, single submitter. Criteria: Ambry Variant Classification Scheme 2023. Collection method: clinical testing. Allele origin: germline.
Comment: The p.F64L variant (also known as c.192C>G), located in coding exon 3 of the RAD51D gene, results from a C to G substitution at nucleotide position 192. The phenylalanine at codon 64 is replaced by leucine, an amino acid with highly similar properties. This amino acid position is conserved. In addition, this alteration is predicted to be tolerated by in silico analysis. Since supporting evidence is limited at this time, the clinical significance of this alteration remains unclear.